The following is an entry in ClinVar:

ClinVar aggregate classification (germline): Uncertain significance. Review status: criteria provided, multiple submitters, no conflicts (2 of 4 stars). 2 submissions from 2 submitters: Uncertain significance (2). Last evaluated 2024-12-15.

Conditions:
Brugada syndrome. Also called: Sudden unexpected nocturnal death syndrome; Sudden unexplained nocturnal death syndrome; Sudden Unexplained Death Syndrome; Sudden Unexplained Nocturnal Death Syndrome (SUNDS). Identifiers: Orphanet 130, MedGen C1142166, MONDO:0015263.

Allele frequency attached by ClinVar (database versions not stated): TOPMed 0.00001; gnomAD 0.00011; ExAC 0.00015; 1000 Genomes Project 30x 0.00016; 1000 Genomes Project 0.00020.
gnomAD v4.1: 72 of 1,613,832 alleles (0.0045%); highest among the groups gnomAD compares: Non-Finnish European, 0.0022%; no homozygotes.

Submissions (2):

Labcorp Genetics (formerly Invitae), Labcorp
Classification: Uncertain significance for Brugada syndrome. Last evaluated: 2024-12-15. Review status: criteria provided, single submitter. Criteria: Invitae Variant Classification Sherloc (09022015). Collection method: clinical testing. Allele origin: germline.
Comment: This sequence change replaces threonine, which is neutral and polar, with lysine, which is basic and polar, at codon 415 of the SLMAP protein (p.Thr415Lys). This variant is present in population databases (rs180767283, gnomAD 0.05%), and has an allele count higher than expected for a pathogenic variant. This variant has not been reported in the literature in individuals affected with SLMAP-related conditions. ClinVar contains an entry for this variant (Variation ID: 1759069). An algorithm developed to predict the effect of missense changes on protein structure and function (PolyPhen-2) suggests that this variant is likely to be tolerated. In summary, the available evidence is currently insufficient to determine the role of this variant in disease. Therefore, it has been classified as a Variant of Uncertain Significance.

Ambry Genetics
Classification: Uncertain significance. Last evaluated: 2022-04-03. Review status: criteria provided, single submitter. Criteria: Ambry Variant Classification Scheme 2023. Collection method: clinical testing. Allele origin: germline.
Comment: The p.T415K variant (also known as c.1244C>A), located in coding exon 12 of the SLMAP gene, results from a C to A substitution at nucleotide position 1244. The threonine at codon 415 is replaced by lysine, an amino acid with similar properties. This amino acid position is conserved. In addition, this alteration is predicted to be tolerated by in silico analysis. Since supporting evidence is limited at this time, the clinical significance of this alteration remains unclear.

NM_001377540.1(SLMAP):c.1346C>A (p.Thr449Lys)

Gene: SLMAP (sarcolemma associated protein; plus strand). Cytogenetic location: 3p14.3.
Variant type: single nucleotide variant.
Coding change: c.1346C>A on transcript NM_001377540.1 (MANE Select); coding-DNA position 1346, C replaced by A.
Protein change: p.Thr449Lys; replaces threonine 449 with lysine.
Molecular consequence: missense variant. On other transcripts: 5 prime UTR variant (7), non-coding transcript variant (1).
Genome position (GRCh38, 1-based): chr3:57,890,086, C>A. VCF-style: chr3-57890086-C-A. GRCh37 (hg19) VCF-style: chr3-57875813-C-A.
Other names: c.1295C>A, p.Thr432Lys (NM_001304420.3, NM_001377541.1, NM_001377542.1 and 2 more transcripts); c.1181C>A, p.Thr394Lys (NM_001304421.2, NM_001377557.1, NM_001377559.1 and 1 more transcripts); c.-104C>A (NM_001304422.3, NM_001304423.3, NM_001311178.2 and 4 more transcripts); c.1346C>A, p.Thr449Lys (NM_001377538.1, NM_001377539.1, NM_001377555.1); c.1283C>A, p.Thr428Lys (NM_001377545.1, NM_001377922.1); c.1244C>A, p.Thr415Lys (NM_001377549.1, NM_001377923.1, NM_007159.5); c.1232C>A, p.Thr411Lys (NM_001377551.1, NM_001377552.1, NM_001377924.1); short protein forms T394K, T415K, T432K, T449K, T411K, T428K.
Identifiers: ClinVar variation 1759069 (VCV001759069.4), dbSNP rs180767283, ClinGen allele CA2467106.